The following is an entry in ClinVar:

NM_000238.4(KCNH2):c.3107G>A (p.Gly1036Asp)

Gene: KCNH2 (potassium voltage-gated channel subfamily H member 2; minus strand). Cytogenetic location: 7q36.1.
Variant type: single nucleotide variant.
Coding change: c.3107G>A on transcript NM_000238.4 (MANE Select); coding-DNA position 3107, G replaced by A.
Protein change: p.Gly1036Asp; replaces glycine 1036 with aspartic acid.
Molecular consequence: missense variant.
Genome position (GRCh38, 1-based): chr7:150,947,373, C>T on the plus strand (G>A on the coding strand, the complement: KCNH2 is on the minus strand). VCF-style: chr7-150947373-C-T. GRCh37 (hg19) VCF-style: chr7-150644461-C-T.
Other names: c.3107G>A (LRG_288t1); c.2087G>A, p.Gly696Asp (NM_172057.3); short protein forms G1036D, G696D.
Identifiers: ClinVar variation 67469 (VCV000067469.33), dbSNP rs199473022, ClinGen allele CA007960.

ClinVar aggregate classification (germline): Conflicting classifications of pathogenicity. Review status: criteria provided, conflicting classifications (1 of 4 stars). 10 submissions from 10 submitters: Uncertain significance (7); Likely benign (2). 1 of the submissions does not count toward it. Last evaluated 2025-10-16.

Conditions:
Cardiac arrhythmia. Also called: Arrhythmia; Cardiac rhythm disease. Identifiers: MedGen C0003811, MONDO:0007263, HP:0011675.
Cardiovascular phenotype. Identifiers: MedGen CN230736.
Familial long QT syndrome (RWS). Also called: Congenital long QT syndrome; Romano-Ward syndrome; VENTRICULAR FIBRILLATION WITH PROLONGED QT INTERVAL. Identifiers: Orphanet 768, MedGen C1141890, MONDO:0019171.
Short QT syndrome type 1. Identifiers: Orphanet 51083, MedGen C1865020, MONDO:0012312, OMIM 609620.
Long QT syndrome 2 (LQT2). Identifiers: Orphanet 101016, Orphanet 768, MedGen C3150943, MONDO:0013367, OMIM 613688.
Long QT syndrome (LQTS). Identifiers: MedGen C0023976, MeSH D008133, MONDO:0002442. Disease mechanism: loss of function. Inheritance: Various modes of inheritance.

Allele frequency attached by ClinVar (database versions not stated): gnomAD exomes 0.00009 and 0.00007; TOPMed 0.00009; 1000 Genomes Project 30x 0.00016; ExAC 0.00008; gnomAD 0.00013.
gnomAD v4.1: 147 of 1,547,804 alleles (0.0095%); highest among the groups gnomAD compares: Non-Finnish European, 0.011%; no homozygotes.

Submissions (10):

GeneDx
Classification: Uncertain significance. Last evaluated: 2025-10-16. Review status: criteria provided, single submitter. Criteria: GeneDx Variant Classification Process June 2021. Collection method: clinical testing. Allele origin: germline. Affected: yes.
Comment: Reported in patients with LQTS or referred for LQTS genetic testing; at least one patient with LQTS harbored additional cardiogenetic variants (PMID: 15840476, 18675227, 19841300, 19804510, 22949429, 26066609); In vitro functional analysis using Chinese hamster ovary cells demonstrated decreased potassium channel current in the presence of p.(G1036D), though it is not clear how well these studies reproduce in vivo conditions (PMID: 18675227); In silico analysis supports that this missense variant has a deleterious effect on protein structure/function; This variant is associated with the following publications: (PMID: 26633542, 19804510, 22581653, 26147798, 25417810, 26066609, 19841300, 22949429, 18675227, 26669661, 23174487, 31618753, 29622001, 15840476, 37904629, 32893267)

Labcorp Genetics (formerly Invitae), Labcorp
Classification: Uncertain significance for Long QT syndrome. Last evaluated: 2025-01-20. Review status: criteria provided, single submitter. Criteria: Invitae Variant Classification Sherloc (09022015). Collection method: clinical testing. Allele origin: germline.
Comment: This sequence change replaces glycine, which is neutral and non-polar, with aspartic acid, which is acidic and polar, at codon 1036 of the KCNH2 protein (p.Gly1036Asp). This variant is present in population databases (rs199473022, gnomAD 0.02%). This missense change has been observed in individual(s) with clinical features of long QT syndrome (PMID: 15840476, 18675227, 19804510, 23174487, 26066609, 26669661, 29622001). ClinVar contains an entry for this variant (Variation ID: 67469). An algorithm developed to predict the effect of missense changes on protein structure and function (PolyPhen-2) suggests that this variant is likely to be disruptive. Experimental studies have shown that this missense change affects KCNH2 function (PMID: 18675227). In summary, the available evidence is currently insufficient to determine the role of this variant in disease. Therefore, it has been classified as a Variant of Uncertain Significance.

Color Diagnostics, LLC DBA Color Health
Classification: Uncertain significance for Cardiac arrhythmia. Last evaluated: 2024-12-23. Review status: criteria provided, single submitter. Criteria: ACMG Guidelines, 2015. Collection method: clinical testing. Allele origin: germline.
Comment: This missense variant replaces glycine with aspartic acid at codon 1036 of the KCNH2 protein. Computational prediction tool is inconclusive regarding the impact of this variant on protein structure and function. Functional studies have shown that the variant affects deactivation and inactivation current of the channel in vitro (PMID: 18675227). This variant has been reported in a few individuals affected with long QT syndrome (PMID: 15840476, 18675227, 26066609, 26669661, 29622001), as well as in an individual affected with dilated cardiomyopathy (PMID: 37904629). This variant has been identified in 16/176308 chromosomes in the general population by the Genome Aggregation Database (gnomAD). The available evidence is insufficient to determine the role of this variant in disease conclusively. Therefore, this variant is classified as a Variant of Uncertain Significance.

Blueprint Genetics
Classification: Likely benign. Last evaluated: 2024-10-04. Review status: criteria provided, single submitter. Criteria: ACMG Guidelines, 2015. Collection method: clinical testing. Allele origin: germline.

All of Us Research Program, National Institutes of Health
Classification: Uncertain significance for Long QT syndrome. Last evaluated: 2024-09-23. Review status: criteria provided, single submitter. Criteria: ACMG Guidelines, 2015. Collection method: clinical testing. Allele origin: germline. Inheritance: Autosomal dominant inheritance. Observed: 65 variant alleles, 65 heterozygotes.
Comment: This missense variant replaces glycine with aspartic acid at codon 1036 of the KCNH2 protein. Computational prediction is inconclusive regarding the impact of this variant on protein structure and function (internally defined REVEL score threshold 0.5 < inconclusive < 0.7, PMID: 27666373). Functional studies have shown that the variant affects deactivation and inactivation current of the channel in vitro (PMID: 18675227). This variant has been reported in a few individuals affected with long QT syndrome (PMID: 15840476, 18675227, 32893267). This variant has been identified in 16/176308 chromosomes in the general population by the Genome Aggregation Database (gnomAD). The available evidence is insufficient to determine the role of this variant in disease conclusively. Therefore, this variant is classified as a Variant of Uncertain Significance.

This study involves interpretation of variants in research participants for the purpose of population health screening. Participant phenotype was not available at the time of variant classification. Additional details can be found in publication PMID: 35346344, PMCID: PMC8962531

Ambry Genetics
Classification: Likely benign for Cardiovascular phenotype. Last evaluated: 2024-01-24. Review status: criteria provided, single submitter. Criteria: Ambry Variant Classification Scheme 2023. Collection method: clinical testing. Allele origin: germline.

Fulgent Genetics
Classification: Uncertain significance for Short QT syndrome type 1; Long QT syndrome 2. Last evaluated: 2022-04-22. Review status: criteria provided, single submitter. Criteria: ACMG Guidelines, 2015. Collection method: clinical testing. Allele origin: unknown.

Women's Health and Genetics/Laboratory Corporation of America, LabCorp
Classification: Uncertain significance. Last evaluated: 2021-11-22. Review status: criteria provided, single submitter. Criteria: LabCorp Variant Classification Summary - May 2015. Collection method: clinical testing. Allele origin: germline.
Comment: Variant summary: KCNH2 c.3107G>A (p.Gly1036Asp) results in a non-conservative amino acid change in the encoded protein sequence. Three of five in-silico tools predict a damaging effect of the variant on protein function. The variant allele was found at a frequency of 9.1e-05 in 176308 control chromosomes, predominantly at a frequency of 0.00018 within the Non-Finnish European subpopulation in the gnomAD database. The observed variant frequency within Non-Finnish European control individuals in the gnomAD database is approximately 1.8 fold of the estimated maximal expected allele frequency for a pathogenic variant in KCNH2 causing Arrhythmia phenotype (0.0001), suggesting that the variant might be a benign polymorphism found primarily in populations of Non-Finnish European origin. However, the variant, c.3107G>A, has also been reported in the literature in individuals affected with Long QT Sydrome (LQTS; examples: Tester_2005, Biliczki_2008, Giudicessi_2012, Mullally_2013, Steffensen_2015, Itoh_2016, Koponen_2018). These report(s) do not provide unequivocal conclusions about association of the variant with Arrhythmia. At least one publication reports experimental evidence evaluating an impact on protein function, and demonstrated moderately altered channel function in vitro (Biliczki_2013). Four other clinical diagnostic laboratories have submitted clinical-significance assessments for this variant to ClinVar after 2014 without evidence for independent evaluation. All laboratories classified the variant as uncertain significance. Based on the evidence outlined above, the variant was classified as uncertain significance.

Laboratory for Molecular Medicine, Mass General Brigham Personalized Medicine
Classification: Uncertain significance. Last evaluated: 2016-03-31. Review status: criteria provided, single submitter. Criteria: LMM Criteria. Collection method: clinical testing. Allele origin: germline.
Comment: Variant identified in a genome or exome case(s) and assessed due to predicted null impact of the variant or pathogenic assertions in the literature or databases. Disclaimer: This variant has not undergone full assessment. The following are preliminary notes: Reported in 2 probands (Tester 2005 and Itoh 2015); ExAC: 1/3460 European; ClinVar: 1 Path; Immunoblot analysis (nZ2) of transiently transfected HEK293 cells revealed the the mutation trafficked similar to WT (Fig. 6b; Andersen 2014).

Cardiovascular Biomedical Research Unit, Royal Brompton & Harefield NHS Foundation Trust
No classification provided. Condition: Familial long QT syndrome. Review status: no classification provided. Collection method: literature only. Allele origin: germline. Not counted in ClinVar's aggregate classification.
Comment: This variant has been reported as associated with Long QT syndrome in the following publications (PMID:15840476;PMID:18675227;PMID:19841300). This is a literature report, and does not necessarily reflect the clinical interpretation of the Imperial College / Royal Brompton Cardiovascular Genetics laboratory.

Literature cited by the submitters: PubMed 15840476 (cited by 6 submitters); PubMed 18675227 (cited by 6 submitters); PubMed 19804510 (cited by 3 submitters); PubMed 23174487 (cited by 3 submitters); PubMed 26066609 (cited by 3 submitters); PubMed 26669661 (cited by 3 submitters); PubMed 29622001 (cited by 4 submitters); PubMed 37904629 (cited by Color Diagnostics, LLC DBA Color Health); PubMed 32893267 (cited by All of Us Research Program, National Institutes of Health); PubMed 19841300 (cited by 3 submitters); PubMed 22949429 (cited by Ambry Genetics and Women's Health and Genetics/Laboratory Corporation of America, LabCorp); PubMed 25417810 (cited by Ambry Genetics and Women's Health and Genetics/Laboratory Corporation of America, LabCorp); PubMed 26147798 (cited by Ambry Genetics); PubMed 31618753 (cited by Ambry Genetics and Women's Health and Genetics/Laboratory Corporation of America, LabCorp); PubMed 22581653 (cited by Cardiovascular Biomedical Research Unit, Royal Brompton & Harefield NHS Foundation Trust).